The following is an entry in ClinVar:

ClinVar aggregate classification (germline): Uncertain significance (1 of 4 stars; one submission).

Conditions:
Familial thoracic aortic aneurysm and aortic dissection (TAAD). Also called: Thoracic aortic aneurysms and dissections. Identifiers: Orphanet 91387, MedGen C4707243, MONDO:0019625.
Hereditary cancer-predisposing syndrome. Also called: Neoplastic Syndromes, Hereditary; Tumor predisposition; Hereditary Cancer Syndrome; Hereditary neoplastic syndrome. Identifiers: Orphanet 140162, MedGen C0027672, MeSH D009386, MONDO:0015356.

Submission:

Ambry Genetics
Classification: Uncertain significance for Hereditary cancer-predisposing syndrome; Familial thoracic aortic aneurysm and aortic dissection. Last evaluated: 2023-11-01. Review status: criteria provided, single submitter. Criteria: Ambry Variant Classification Scheme 2023. Collection method: clinical testing. Allele origin: germline.
Comment: The p.H132L variant (also known as c.395A>T), located in coding exon 2 of the SMAD4 gene, results from an A to T substitution at nucleotide position 395. The histidine at codon 132 is replaced by leucine, an amino acid with similar properties. This amino acid position is highly conserved in available vertebrate species. In addition, this alteration is predicted to be deleterious by in silico analysis. Since supporting evidence is limited at this time, the clinical significance of this alteration remains unclear.

NM_005359.6(SMAD4):c.395A>T (p.His132Leu)

Gene: SMAD4 (SMAD family member 4; plus strand). Cytogenetic location: 18q21.2.
Variant type: single nucleotide variant.
Coding change: c.395A>T on transcript NM_005359.6 (MANE Select); coding-DNA position 395, A replaced by T.
Protein change: p.His132Leu; replaces histidine 132 with leucine.
Molecular consequence: missense variant.
Genome position (GRCh38, 1-based): chr18:51,048,831, A>T. VCF-style: chr18-51048831-A-T. GRCh37 (hg19) VCF-style: chr18-48575201-A-T.
Other names: c.395A>T, p.His132Leu (NM_001407041.1, NM_001407042.1, NM_001407043.1); short protein forms H132L.
Identifiers: ClinVar variation 1736495 (VCV001736495.2), dbSNP rs2144406110, ClinGen allele CA402458746.